The following is an entry in ClinVar:

NM_000193.4(SHH):c.301-17T>A

Gene: SHH (sonic hedgehog signaling molecule; minus strand). Cytogenetic location: 7q36.3.
Variant type: single nucleotide variant.
Coding change: c.301-17T>A on transcript NM_000193.4 (MANE Select); 17 bases into the intron before coding-DNA position 301, T replaced by A.
Molecular consequence: intron variant.
Genome position (GRCh38, 1-based): chr7:155,806,574, A>T on the plus strand (T>A on the coding strand, the complement: SHH is on the minus strand). VCF-style: chr7-155806574-A-T. GRCh37 (hg19) VCF-style: chr7-155599268-A-T.
Other names: c.40-17T>A (NM_001310462.2); c.301-17T>A (NM_000193.3).
Identifiers: ClinVar variation 1562131 (VCV001562131.12), dbSNP rs201670599, ClinGen allele CA4587036.

ClinVar aggregate classification (germline): Likely benign. Review status: criteria provided, multiple submitters, no conflicts (2 of 4 stars). 3 submissions from 3 submitters: Likely benign (2). 1 of the submissions does not count toward it. Last evaluated 2025-06-24.

Conditions:
Holoprosencephaly 3 (HPE3). Identifiers: Orphanet 2162, MedGen C1840529, MONDO:0007733, OMIM 142945.
SHH-related disorder. Also called: SHH-related disorders; SHH-related condition.

Allele frequency attached by ClinVar (database versions not stated): 1000 Genomes Project 30x 0.00016; 1000 Genomes Project 0.00020; ExAC 0.00038; gnomAD 0.00058 and 0.00060; TOPMed 0.00059; ESP Exome Variant Server 0.00069.
gnomAD v4.1: 1,250 of 1,607,732 alleles (0.078%); highest among the groups gnomAD compares: Non-Finnish European, 0.1%; 1 homozygote.

Submissions (3):

Labcorp Genetics (formerly Invitae), Labcorp
Classification: Likely benign for Holoprosencephaly 3. Last evaluated: 2025-06-24. Review status: criteria provided, single submitter. Criteria: Invitae Variant Classification Sherloc (09022015). Collection method: clinical testing. Allele origin: germline.

Blueprint Genetics
Classification: Likely benign. Last evaluated: 2024-11-06. Review status: criteria provided, single submitter. Criteria: ACMG Guidelines, 2015. Collection method: clinical testing. Allele origin: germline.

PreventionGenetics, part of Exact Sciences
Classification: Likely benign for SHH-related condition. Last evaluated: 2022-08-21. Review status: no assertion criteria provided. Collection method: clinical testing. Allele origin: germline. Not counted in ClinVar's aggregate classification.
Comment: This variant is classified as likely benign based on ACMG/AMP sequence variant interpretation guidelines (Richards et al. 2015 PMID: 25741868, with internal and published modifications).